The following is an entry in ClinVar:

ClinVar aggregate classification (germline): Pathogenic/Likely pathogenic. Review status: criteria provided, multiple submitters, no conflicts (2 of 4 stars). 2 submissions from 2 submitters: Pathogenic (1); Likely pathogenic (1). Last evaluated 2025-12-01.

Conditions:
Desmin-related myofibrillar myopathy (MFM1). Also called: MYOFIBRILLAR MYOPATHY WITH ARRHYTHMOGENIC RIGHT VENTRICULAR CARDIOMYOPATHY; DESMIN-RELATED MYOPATHY WITH ARRHYTHMOGENIC RIGHT VENTRICULAR CARDIOMYOPATHY; Myofibrillar myopathy 1; Desminopathy; Desmin related myopathy (former name); Desmin storage myopathy (former name). Identifiers: Orphanet 363543, Orphanet 98909, MedGen C1832370, MONDO:0011076, OMIM 601419.

Submissions (2):

Labcorp Genetics (formerly Invitae), Labcorp
Classification: Likely pathogenic for Desmin-related myofibrillar myopathy. Last evaluated: 2025-12-01. Review status: criteria provided, single submitter. Criteria: Invitae Variant Classification Sherloc (09022015). Collection method: clinical testing. Allele origin: germline.
Comment: This sequence change replaces alanine, which is neutral and non-polar, with proline, which is neutral and non-polar, at codon 120 of the DES protein (p.Ala120Pro). This variant is not present in population databases (gnomAD no frequency). This variant has not been reported in the literature in individuals affected with DES-related conditions. ClinVar contains an entry for this variant (Variation ID: 201726). Invitae Evidence Modeling of protein sequence and biophysical properties (such as structural, functional, and spatial information, amino acid conservation, physicochemical variation, residue mobility, and thermodynamic stability) indicates that this missense variant is expected to disrupt DES protein function with a positive predictive value of 95%. Experimental studies have shown that this missense change affects DES function (PMID: 36497166). This variant disrupts the p.Ala120 amino acid residue in DES. Other variant(s) that disrupt this residue have been determined to be pathogenic (PMID: 24200904, 31371504). This suggests that this residue is clinically significant, and that variants that disrupt this residue are likely to be disease-causing. In summary, the currently available evidence indicates that the variant is pathogenic, but additional data are needed to prove that conclusively. Therefore, this variant has been classified as Likely Pathogenic.

GeneDx
Classification: Pathogenic. Last evaluated: 2014-10-24. Review status: criteria provided, single submitter. Criteria: GeneDx Variant Classification (06012015). Collection method: clinical testing. Allele origin: germline. Affected: yes.
Comment: p.Ala120Pro (GCC>CCC): c.358 G>C in exon 1 of the DES gene (NM_001927.3) Mutations in the DES gene have been reported in approximately 1-2% of patients with autosomal dominant familial dilated cardiomyopathy (DCM) (Taylor M et al., 2007). While the A120P mutation in the DES gene has not been reported to our knowledge, a mutation affecting this same residue, A120D, has been reported in association with cardiomyopathy and sudden cardiac death (Brodehl A et al., 2013). Additionally, a mutation in a nearby residue (N116S) has been reported in association with cardiomyopathy, further supporting the functional importance of this residue and this region of the protein. A120P results in a semi-conservative amino acid substitution at a position that is completely conserved across species. Moreover, in silico analysis predicts A120P is probably damaging to to the protein structure/function. Furthermore, A120P was not observed in approximately 6,500 individuals of European and African American ancestry in the NHLBI Exome Sequencing Project, indicating it is not a common benign variant in these populations. In summary, A120P in the DES gene is interpreted as a likely disease-causing mutation. The variant is found in CARDIOMYOPATHY panel(s).

Literature cited by the submitters: PubMed 36497166 (cited by Labcorp Genetics (formerly Invitae), Labcorp); PubMed 24200904 (cited by Labcorp Genetics (formerly Invitae), Labcorp); PubMed 31371504 (cited by Labcorp Genetics (formerly Invitae), Labcorp).

NM_001927.4(DES):c.358G>C (p.Ala120Pro)

Gene: DES (desmin; plus strand). Cytogenetic location: 2q35.
Variant type: single nucleotide variant.
Coding change: c.358G>C on transcript NM_001927.4 (MANE Select); coding-DNA position 358, G replaced by C.
Protein change: p.Ala120Pro; replaces alanine 120 with proline.
Molecular consequence: missense variant.
Genome position (GRCh38, 1-based): chr2:219,418,820, G>C. VCF-style: chr2-219418820-G-C. GRCh37 (hg19) VCF-style: chr2-220283542-G-C.
Other names: p.A120P:GCC>CCC; c.358G>C (LRG_380t1); short protein forms A120P.
Identifiers: ClinVar variation 201726 (VCV000201726.10), dbSNP rs794728996, ClinGen allele CA308328.